The following is an entry in ClinVar:

NM_001242.5(CD27):c.410del (p.Ser137fs)

Genes: CD27 (CD27 molecule; plus strand), CD27-AS1 (CD27 antisense RNA 1; minus strand). Cytogenetic location: 12p13.31.
Variant type: Deletion.
Coding change: c.410del on transcript NM_001242.5 (MANE Select); coding-DNA position 410, one base deleted (G; older notation c.410delG).
Protein change: p.Ser137fs; shifts the reading frame from serine 137.
Molecular consequence: frameshift variant. On other transcripts: 5 prime UTR variant (3), non-coding transcript variant (4), intron variant (1).
Genome position (GRCh38, 1-based): chr12:6,450,314, G deleted. VCF-style (leftmost placement, unchanged base first): chr12-6450313-AG-A. GRCh37 (hg19) VCF-style: chr12-6559479-AG-A.
Other names: c.503del, p.Ser168fs (NM_001413263.1); c.383del, p.Ser128fs (NM_001413264.1); c.-41del (NM_001413266.1, NM_001413267.1, NM_001413268.1); c.269-227del (NM_001413265.1); short protein forms S137fs, S128fs, S168fs.
Identifiers: ClinVar variation 3690987 (VCV003690987.2).

ClinVar aggregate classification (germline): Pathogenic (1 of 4 stars; one submission).

Conditions:
Lymphoproliferative syndrome 2 (LPFS2). Also called: CD27 DEFICIENCY; Combined immunodeficiency due to CD27 deficiency. Identifiers: Orphanet 238505, MedGen C3554540, MONDO:0014054, OMIM 615122.

Submission:

Labcorp Genetics (formerly Invitae), Labcorp
Classification: Pathogenic for Lymphoproliferative syndrome 2. Last evaluated: 2024-12-09. Review status: criteria provided, single submitter. Criteria: Invitae Variant Classification Sherloc (09022015). Collection method: clinical testing. Allele origin: germline.
Comment: This sequence change creates a premature translational stop signal (p.Ser137Thrfs*58) in the CD27 gene. It is expected to result in an absent or disrupted protein product. Loss-of-function variants in CD27 are known to be pathogenic (PMID: 25843314). This variant is present in population databases (rs763226101, gnomAD 0.007%). This variant has not been reported in the literature in individuals affected with CD27-related conditions. For these reasons, this variant has been classified as Pathogenic.

Literature cited by the submitters: PubMed 25843314.